The following is an entry in ClinVar:

ClinVar aggregate classification (germline): Uncertain significance (1 of 4 stars; one submission).

Conditions:
Tuberous sclerosis 2 (TSC2). Identifiers: Orphanet 805, MedGen C1860707, MONDO:0013199, OMIM 613254.

Submission:

Labcorp Genetics (formerly Invitae), Labcorp
Classification: Uncertain significance for Tuberous sclerosis 2. Last evaluated: 2024-02-15. Review status: criteria provided, single submitter. Criteria: Invitae Variant Classification Sherloc (09022015). Collection method: clinical testing. Allele origin: germline.
Comment: This sequence change replaces aspartic acid, which is acidic and polar, with histidine, which is basic and polar, at codon 529 of the TSC2 protein (p.Asp529His). This variant is not present in population databases (gnomAD no frequency). This variant has not been reported in the literature in individuals affected with TSC2-related conditions. Advanced modeling of protein sequence and biophysical properties (such as structural, functional, and spatial information, amino acid conservation, physicochemical variation, residue mobility, and thermodynamic stability) performed at Invitae indicates that this missense variant is not expected to disrupt TSC2 protein function with a negative predictive value of 95%. In summary, the available evidence is currently insufficient to determine the role of this variant in disease. Therefore, it has been classified as a Variant of Uncertain Significance.

NM_000548.5(TSC2):c.1585G>C (p.Asp529His)

Gene: TSC2 (TSC complex subunit 2; plus strand). Cytogenetic location: 16p13.3.
Variant type: single nucleotide variant.
Coding change: c.1585G>C on transcript NM_000548.5 (MANE Select); coding-DNA position 1585, G replaced by C.
Protein change: p.Asp529His; replaces aspartic acid 529 with histidine.
Molecular consequence: missense variant. On other transcripts: 5 prime UTR variant (1), non-coding transcript variant (5).
Genome position (GRCh38, 1-based): chr16:2,064,413, G>C. VCF-style: chr16-2064413-G-C. GRCh37 (hg19) VCF-style: chr16-2114414-G-C.
Other names: c.1573G>C, p.Asp525His (NM_001406673.1, NM_001406671.1); c.1438G>C, p.Asp480His (NM_001406675.1, NM_001406676.1, NM_001406679.1 and 1 more transcripts); c.985G>C, p.Asp329His (NM_001406680.1, NM_001406682.1, NM_001406683.1 and 6 more transcripts); c.1123G>C, p.Asp375His (NM_001406681.1); c.1528G>C, p.Asp510His (NM_001406677.1); c.1474G>C, p.Asp492His (NM_001406678.1, NM_001318827.2, NM_001406670.1); c.241G>C, p.Asp81His (NM_001406693.1, NM_001406694.1, NM_001406695.1 and 6 more transcripts); c.-18G>C (NM_001406698.1); and 3 more; short protein forms D559H, D81H, D480H, D492H, D510H, D540H, D525H, D529H.
Identifiers: ClinVar variation 3675909 (VCV003675909.2).